The following is an entry in ClinVar:

NM_145068.4(TRPV3):c.*279G>C

Genes: SPATA22 (spermatogenesis associated 22; minus strand), TRPV3 (transient receptor potential cation channel subfamily V member 3; minus strand). Cytogenetic location: 17p13.2.
Variant type: single nucleotide variant.
Coding change: c.*279G>C on transcript NM_145068.4 (MANE Select); 279 bases downstream of the stop codon, G replaced by C.
Molecular consequence: 3 prime UTR variant. On other transcripts: 5 prime UTR variant (2).
Genome position (GRCh38, 1-based): chr17:3,513,638, C>G on the plus strand (G>C on the coding strand, the complement: TRPV3 is on the minus strand). VCF-style: chr17-3513638-C-G. GRCh37 (hg19) VCF-style: chr17-3416932-C-G.
Other names: c.*279G>C (NM_001258205.2); c.-300G>C (NM_001321336.2, NM_001321337.2).
Identifiers: ClinVar variation 322738 (VCV000322738.7), dbSNP rs544410561, ClinGen allele CA10649048.

ClinVar aggregate classification (germline): Benign (1 of 4 stars; one submission).

Conditions:
Isolated focal non-epidermolytic palmoplantar keratoderma. Also called: Palmoplantar keratoderma, nonepidermolytic, focal 2. Identifiers: Orphanet 448264, MedGen C4225339, MONDO:0014622, OMIM 616400.

Allele frequency attached by ClinVar (database versions not stated): 1000 Genomes Project 30x 0.00031; TOPMed 0.00001; gnomAD exomes 0.00002; 1000 Genomes Project 0.00040; gnomAD 0.00001.
gnomAD v4.1: 5 of 341,456 alleles (0.0015%); highest among the groups gnomAD compares: East Asian, 0.024%; no homozygotes.

Submission:

Illumina Laboratory Services, Illumina
Classification: Benign for Isolated focal non-epidermolytic palmoplantar keratoderma. Last evaluated: 2018-01-12. Review status: criteria provided, single submitter. Criteria: ICSL Variant Classification Criteria 13 December 2019. Collection method: clinical testing. Allele origin: germline.
Comment: This variant was observed in the ICSL laboratory as part of a predisposition screen in an ostensibly healthy population. It had not been previously curated by ICSL or reported in the Human Gene Mutation Database (HGMD: prior to June 1st, 2018), and was therefore a candidate for classification through an automated scoring system. Utilizing variant allele frequency, disease prevalence and penetrance estimates, and inheritance mode, an automated score was calculated to assess if this variant is too frequent to cause the disease. Based on the score and internal cut-off values, a variant classified as benign is not then subjected to further curation. The score for this variant resulted in a classification of benign for this disease.